The following is an entry in ClinVar:

NM_001195518.2(MICU1):c.1071+8G>A

Gene: MICU1 (mitochondrial calcium uptake 1; minus strand). Cytogenetic location: 10q22.1.
Variant type: single nucleotide variant.
Coding change: c.1071+8G>A on transcript NM_001195518.2 (MANE Select); 8 bases into the intron after coding-DNA position 1071, G replaced by A.
Molecular consequence: intron variant.
Genome position (GRCh38, 1-based): chr10:72,423,226, C>T on the plus strand (G>A on the coding strand, the complement: MICU1 is on the minus strand). VCF-style: chr10-72423226-C-T. GRCh37 (hg19) VCF-style: chr10-74182984-C-T.
Other names: c.1077+8G>A (NM_006077.4); c.1089+8G>A (NM_001363513.2); c.477+8G>A (NM_001195519.2).
Identifiers: ClinVar variation 507928 (VCV000507928.5), dbSNP rs956112454, ClinGen allele CA209555628.

ClinVar aggregate classification (germline): Likely benign. Review status: criteria provided, multiple submitters, no conflicts (2 of 4 stars). 2 submissions from 2 submitters: Likely benign (2). Last evaluated 2025-08-20.

Allele frequency attached by ClinVar (database versions not stated): gnomAD exomes 0.00001 and 0.00003; TOPMed 0.00001.
gnomAD v4.1: 8 of 1,611,382 alleles (0.0005%); highest among the groups gnomAD compares: Admixed American, 0.013%; no homozygotes.

Submissions (2):

Labcorp Genetics (formerly Invitae), Labcorp
Classification: Likely benign. Last evaluated: 2025-08-20. Review status: criteria provided, single submitter. Criteria: Invitae Variant Classification Sherloc (09022015). Collection method: clinical testing. Allele origin: germline.

GeneDx
Classification: Likely benign. Last evaluated: 2017-03-27. Review status: criteria provided, single submitter. Criteria: GeneDx Variant Classification (06012015). Collection method: clinical testing. Allele origin: germline. Affected: yes.
Comment: This variant is considered likely benign or benign based on one or more of the following criteria: it is a conservative change, it occurs at a poorly conserved position in the protein, it is predicted to be benign by multiple in silico algorithms, and/or has population frequency not consistent with disease.